The following is an entry in ClinVar:

NM_020928.2(ZSWIM6):c.2647A>G (p.Met883Val)

Gene: ZSWIM6 (zinc finger SWIM-type containing 6; plus strand). Cytogenetic location: 5q12.1.
Variant type: single nucleotide variant.
Coding change: c.2647A>G on transcript NM_020928.2 (MANE Select); coding-DNA position 2647, A replaced by G.
Protein change: p.Met883Val; replaces methionine 883 with valine.
Molecular consequence: missense variant.
Genome position (GRCh38, 1-based): chr5:61,539,703, A>G. VCF-style: chr5-61539703-A-G. GRCh37 (hg19) VCF-style: chr5-60835530-A-G.
Other names: short protein forms M883V.
Identifiers: ClinVar variation 2797979 (VCV002797979.3), dbSNP rs1749679770, ClinGen allele CA359945822.

ClinVar aggregate classification (germline): Uncertain significance (1 of 4 stars; one submission).

gnomAD v4.1: 1 of 1,551,780 alleles (0.000064%); no homozygotes.

Submission:

Labcorp Genetics (formerly Invitae), Labcorp
Classification: Uncertain significance. Last evaluated: 2023-04-04. Review status: criteria provided, single submitter. Criteria: Invitae Variant Classification Sherloc (09022015). Collection method: clinical testing. Allele origin: germline.
Comment: In summary, the available evidence is currently insufficient to determine the role of this variant in disease. Therefore, it has been classified as a Variant of Uncertain Significance. Advanced modeling of protein sequence and biophysical properties (such as structural, functional, and spatial information, amino acid conservation, physicochemical variation, residue mobility, and thermodynamic stability) performed at Invitae indicates that this missense variant is not expected to disrupt ZSWIM6 protein function. This variant has not been reported in the literature in individuals affected with ZSWIM6-related conditions. This variant is not present in population databases (gnomAD no frequency). This sequence change replaces methionine, which is neutral and non-polar, with valine, which is neutral and non-polar, at codon 883 of the ZSWIM6 protein (p.Met883Val).